The following is an entry in ClinVar:

NM_001369.3(DNAH5):c.4300del (p.Trp1434fs)

Genes: DNAH5 (dynein axonemal heavy chain 5; minus strand), DNAH5-AS1 (DNAH5 antisense RNA 1; plus strand). Cytogenetic location: 5p15.2.
Variant type: Deletion.
Coding change: c.4300del on transcript NM_001369.3 (MANE Select); coding-DNA position 4300, one base deleted (T; older notation c.4300delT).
Protein change: p.Trp1434fs; shifts the reading frame from tryptophan 1434.
Molecular consequence: frameshift variant.
Genome position (GRCh38, 1-based): chr5:13,865,723, A deleted on the plus strand (T on the coding strand, the reverse complement: DNAH5 is on the minus strand); the first of 3 consecutive A bases (chr5:13,865,723-13,865,725); deleting any one gives the same sequence. VCF-style (leftmost placement, unchanged base first): chr5-13865722-CA-C. GRCh37 (hg19) VCF-style: chr5-13865831-CA-C.
Other names: short protein forms W1434fs.
Identifiers: ClinVar variation 4814891 (VCV004814891.2).

ClinVar aggregate classification (germline): Pathogenic/Likely pathogenic. Review status: criteria provided, multiple submitters, no conflicts (2 of 4 stars). 2 submissions from 2 submitters: Pathogenic (1); Likely pathogenic (1). Last evaluated 2024-11-18.

Conditions:
Primary ciliary dyskinesia 3. Identifiers: Orphanet 244, MedGen C1837618, MONDO:0012085, OMIM 608644.
Primary ciliary dyskinesia. Also called: Ciliary dyskinesia. Identifiers: Orphanet 244, MedGen C0008780, MONDO:0016575, HP:0012265.

Submissions (2):

Natera, Inc.
Classification: Likely pathogenic for Primary ciliary dyskinesia. Last evaluated: 2024-11-18. Review status: criteria provided, single submitter. Criteria: Natera Variant Classification Schema (03/2026). Collection method: clinical testing. Allele origin: germline.
Comment: The c.4300del variant in DNAH5 is a frameshift variant predicted to shift the reading frame beginning at codon 1434 and leads to a stop codon 4 codons downstream. This variant is expected to result in nonsense mediated decay, truncation, or a dysfunctional protein product. This variant is rare in the general population with a frequency below the threshold expected for the associated phenotype(s). Given the available evidence, this variant is classified as Likely Pathogenic.

Myriad Genetics, Inc.
Classification: Pathogenic for Primary ciliary dyskinesia 3. Last evaluated: 2024-06-18. Review status: criteria provided, single submitter. Criteria: Myriad Autosomal Dominant, Autosomal Recessive and X-Linked Classification Criteria (2023). Collection method: clinical testing. Allele origin: unknown.
Comment: NM_001369.2(DNAH5):c.4300delT(W1434Gfs*4) is expected to be pathogenic in the context of primary ciliary dyskinesia, DNAH5-related. This variant is predicted to lead to an abnormal or absent protein product due to the creation of a premature termination codon in DNAH5, a gene where loss-of-function variants are known to be pathogenic. Please note: this variant was assessed in the context of healthy population screening.